The following is an entry in ClinVar:

NM_000057.4(BLM):c.1910G>A (p.Arg637Lys)

Gene: BLM (BLM RecQ like helicase; plus strand). Cytogenetic location: 15q26.1.
Variant type: single nucleotide variant.
Coding change: c.1910G>A on transcript NM_000057.4 (MANE Select); coding-DNA position 1910, G replaced by A.
Protein change: p.Arg637Lys; replaces arginine 637 with lysine.
Molecular consequence: missense variant.
Genome position (GRCh38, 1-based): chr15:90,762,993, G>A. VCF-style: chr15-90762993-G-A. GRCh37 (hg19) VCF-style: chr15-91306223-G-A.
Other names: c.1910G>A, p.Arg637Lys (NM_001287246.2, NM_001287247.2); c.785G>A, p.Arg262Lys (NM_001287248.2); short protein forms R637K, R262K.
Identifiers: ClinVar variation 4212020 (VCV004212020.1).

ClinVar aggregate classification (germline): Uncertain significance (1 of 4 stars; one submission).

Conditions:
Hereditary cancer-predisposing syndrome. Also called: Neoplastic Syndromes, Hereditary; Tumor predisposition; Hereditary Cancer Syndrome; Hereditary neoplastic syndrome. Identifiers: Orphanet 140162, MedGen C0027672, MeSH D009386, MONDO:0015356.

Submission:

Ambry Genetics
Classification: Uncertain significance for Hereditary cancer-predisposing syndrome. Last evaluated: 2025-08-19. Review status: criteria provided, single submitter. Criteria: Ambry Variant Classification Scheme 2023. Collection method: clinical testing. Allele origin: germline.
Comment: The p.R637K variant (also known as c.1910G>A), located in coding exon 7 of the BLM gene, results from a G to A substitution at nucleotide position 1910. The arginine at codon 637 is replaced by lysine, an amino acid with highly similar properties. This amino acid position is conserved. In addition, this alteration is predicted to be tolerated by in silico analysis. Based on the available evidence, the clinical significance of this variant remains unclear.